The following is an entry in ClinVar:

NM_006517.5(SLC16A2):c.576-1G>C

Gene: SLC16A2 (solute carrier family 16 member 2; plus strand). Cytogenetic location: Xq13.2.
Variant type: single nucleotide variant.
Coding change: c.576-1G>C on transcript NM_006517.5 (MANE Select); the canonical splice acceptor site of the intron before coding-DNA position 576, G replaced by C.
Molecular consequence: splice acceptor variant.
Genome position (GRCh38, 1-based): chrX:74,524,358, G>C. VCF-style: chrX-74524358-G-C. GRCh37 (hg19) VCF-style: chrX-73744193-G-C.
Identifiers: ClinVar variation 3769597 (VCV003769597.1).

ClinVar aggregate classification (germline): Pathogenic (1 of 4 stars; one submission).

Conditions:
Hypotonia. Also called: Muscular hypotonia; poor muscle tone. Identifiers: MedGen C0026827, HP:0001252.

Submission:

Clinical Genetics Laboratory, Skane University Hospital Lund
Classification: Pathogenic for Hypotonia. Last evaluated: 2024-09-30. Review status: criteria provided, single submitter. Criteria: ACMG Guidelines, 2015. Collection method: clinical testing. Allele origin: germline. Affected: yes.
Comment: ACMG criteria used: PVS1, PS3 (PMID: 17356046), PS4_Moderate (PMID: 16957765, 17356046), PM2